The following is an entry in ClinVar:

ClinVar aggregate classification (germline): Conflicting classifications of pathogenicity. Review status: criteria provided, conflicting classifications (1 of 4 stars). 4 submissions from 4 submitters: Uncertain significance (3); Likely benign (1). Last evaluated 2025-11-24.

Conditions:
Cardiovascular phenotype. Identifiers: MedGen CN230736.
Dilated cardiomyopathy 1DD (CMD1DD). Identifiers: Orphanet 154, MedGen C2750995, MONDO:0013168, OMIM 613172.

Allele frequency attached by ClinVar (database versions not stated): gnomAD 0.00001; gnomAD exomes 0.00001; TOPMed 0.00002.
gnomAD v4.1: 12 of 1,550,782 alleles (0.00077%); highest among the groups gnomAD compares: East Asian, 0.0049%; no homozygotes.

Submissions (4):

Ambry Genetics
Classification: Uncertain significance for Cardiovascular phenotype. Last evaluated: 2025-11-24. Review status: criteria provided, single submitter. Criteria: Ambry Variant Classification Scheme 2023. Collection method: clinical testing. Allele origin: germline.
Comment: The p.R367W variant (also known as c.1099C>T), located in coding exon 2 of the RBM20 gene, results from a C to T substitution at nucleotide position 1099. The arginine at codon 367 is replaced by tryptophan, an amino acid with dissimilar properties. This amino acid position is highly conserved in available vertebrate species. In addition, the in silico prediction for this alteration is inconclusive. Since supporting evidence is limited at this time, the clinical significance of this alteration remains unclear.

Molecular Diagnostic Laboratory for Inherited Cardiovascular Disease, Montreal Heart Institute
Classification: Uncertain significance for Cardiovascular phenotype. Last evaluated: 2025-04-09. Review status: criteria provided, single submitter. Criteria: ACMG Guidelines, 2015. Collection method: clinical testing. Allele origin: germline. Affected: yes.

Labcorp Genetics (formerly Invitae), Labcorp
Classification: Likely benign for Dilated cardiomyopathy 1DD. Last evaluated: 2025-02-13. Review status: criteria provided, single submitter. Criteria: Invitae Variant Classification Sherloc (09022015). Collection method: clinical testing. Allele origin: germline.

GeneDx
Classification: Uncertain significance. Last evaluated: 2025-01-10. Review status: criteria provided, single submitter. Criteria: GeneDx Variant Classification Process June 2021. Collection method: clinical testing. Allele origin: germline. Affected: yes.
Comment: In silico analysis supports that this missense variant has a deleterious effect on protein structure/function; This variant is associated with the following publications: (PMID: 38296580)

NM_001134363.3(RBM20):c.1099C>T (p.Arg367Trp)

Gene: RBM20 (RNA binding motif protein 20; plus strand). Cytogenetic location: 10q25.2.
Variant type: single nucleotide variant.
Coding change: c.1099C>T on transcript NM_001134363.3 (MANE Select); coding-DNA position 1099, C replaced by T.
Protein change: p.Arg367Trp; replaces arginine 367 with tryptophan.
Molecular consequence: missense variant.
Genome position (GRCh38, 1-based): chr10:110,781,708, C>T. VCF-style: chr10-110781708-C-T. GRCh37 (hg19) VCF-style: chr10-112541466-C-T.
Other names: c.1099C>T (NM_001134363.2); short protein forms R367W.
Identifiers: ClinVar variation 1791513 (VCV001791513.10), dbSNP rs1054551313, ClinGen allele CA213235050.